The following is an entry in ClinVar:

ClinVar aggregate classification (germline): Uncertain significance (1 of 4 stars; one submission).

Submission:

Ambry Genetics
Classification: Uncertain significance. Last evaluated: 2022-08-09. Review status: criteria provided, single submitter. Criteria: Ambry Variant Classification Scheme 2023. Collection method: clinical testing. Allele origin: germline.
Comment: The p.L1338V variant (also known as c.4012C>G), located in coding exon 17 of the NPAT gene, results from a C to G substitution at nucleotide position 4012. The leucine at codon 1338 is replaced by valine, an amino acid with highly similar properties. This amino acid position is conserved. In addition, the in silico prediction for this alteration is inconclusive. Since supporting evidence is limited at this time, the clinical significance of this alteration remains unclear.

NM_002519.3(NPAT):c.4012C>G (p.Leu1338Val)

Gene: NPAT (nuclear protein, coactivator of histone transcription; minus strand). Cytogenetic location: 11q22.3.
Variant type: single nucleotide variant.
Coding change: c.4012C>G on transcript NM_002519.3 (MANE Select); coding-DNA position 4012, C replaced by G.
Protein change: p.Leu1338Val; replaces leucine 1338 with valine.
Molecular consequence: missense variant.
Genome position (GRCh38, 1-based): chr11:108,161,074, G>C on the plus strand (C>G on the coding strand, the complement: NPAT is on the minus strand). VCF-style: chr11-108161074-G-C. GRCh37 (hg19) VCF-style: chr11-108031801-G-C.
Other names: c.4033C>G, p.Leu1345Val (NM_001321307.1); short protein forms L1345V, L1338V.
Identifiers: ClinVar variation 1737028 (VCV001737028.2), dbSNP rs2496693637, ClinGen allele CA382509553.
Genomic context (GRCh38, chr11:108,161,074, plus strand): 5'-GTTGTGTGTTATCTTTCAGAGGAGTTGCTGAAGTAGTCCTAGAAATGGCTGCCCTGGAGA[G>C]AATCATTAATGTGTGGGCAGCCATATTTACACTGTTTTCACTTCCTGTTTCACTGGCAGG-3'
Protein context (NP_002510.2, residues 1328-1348): VNMAAHTLMI[Leu1338Val]SRAAISRTTS